The following is an entry in ClinVar:

ClinVar aggregate classification (germline): Uncertain significance (1 of 4 stars; one submission).

Conditions:
Cataract 33. Also called: CATARACT 33, CORTICAL. Identifiers: Orphanet 91492, MedGen C3808107, MONDO:0012665, OMIM 611391.

Submission:

Labcorp Genetics (formerly Invitae), Labcorp
Classification: Uncertain significance for Cataract 33. Last evaluated: 2024-08-30. Review status: criteria provided, single submitter. Criteria: Invitae Variant Classification Sherloc (09022015). Collection method: clinical testing. Allele origin: germline.
Comment: This sequence change replaces threonine, which is neutral and polar, with proline, which is neutral and non-polar, at codon 10 of the BFSP1 protein (p.Thr10Pro). This variant is not present in population databases (gnomAD no frequency). This variant has not been reported in the literature in individuals affected with BFSP1-related conditions. Invitae Evidence Modeling of protein sequence and biophysical properties (such as structural, functional, and spatial information, amino acid conservation, physicochemical variation, residue mobility, and thermodynamic stability) indicates that this missense variant is not expected to disrupt BFSP1 protein function with a negative predictive value of 80%. In summary, the available evidence is currently insufficient to determine the role of this variant in disease. Therefore, it has been classified as a Variant of Uncertain Significance.

NM_001195.5(BFSP1):c.28A>C (p.Thr10Pro)

Gene: BFSP1 (beaded filament structural protein 1; minus strand). Cytogenetic location: 20p12.1.
Variant type: single nucleotide variant.
Coding change: c.28A>C on transcript NM_001195.5 (MANE Select); coding-DNA position 28, A replaced by C.
Protein change: p.Thr10Pro; replaces threonine 10 with proline.
Molecular consequence: missense variant. On other transcripts: intron variant (4).
Genome position (GRCh38, 1-based): chr20:17,531,302, T>G on the plus strand (A>C on the coding strand, the complement: BFSP1 is on the minus strand). VCF-style: chr20-17531302-T-G. GRCh37 (hg19) VCF-style: chr20-17511947-T-G.
Other names: c.28A>C, p.Thr10Pro (NM_001424338.1); c.-40-6394A>C (NM_001278608.2, NM_001278606.2); c.45-6394A>C (NM_001278607.2); c.3-6394A>C (NM_001161705.2); short protein forms T10P.
Identifiers: ClinVar variation 3664013 (VCV003664013.2).